The following is an entry in ClinVar:

NM_001291867.2(NHS):c.2909C>T (p.Thr970Met)

Gene: NHS (NHS actin remodeling regulator; plus strand). Cytogenetic location: Xp22.13.
Variant type: single nucleotide variant.
Coding change: c.2909C>T on transcript NM_001291867.2 (MANE Select); coding-DNA position 2909, C replaced by T.
Protein change: p.Thr970Met; replaces threonine 970 with methionine.
Molecular consequence: missense variant.
Genome position (GRCh38, 1-based): chrX:17,727,015, C>T. VCF-style: chrX-17727015-C-T. GRCh37 (hg19) VCF-style: chrX-17745135-C-T.
Other names: c.2378C>T, p.Thr793Met (NM_001136024.4); c.2315C>T, p.Thr772Met (NM_001291868.2); c.2846C>T, p.Thr949Met (NM_198270.4); short protein forms T949M, T793M, T970M, T772M.
Identifiers: ClinVar variation 531901 (VCV000531901.11), dbSNP rs373464879, ClinGen allele CA10358774.

ClinVar aggregate classification (germline): Conflicting classifications of pathogenicity. Review status: criteria provided, conflicting classifications (1 of 4 stars). 2 submissions from 2 submitters: Uncertain significance (1); Likely benign (1). Last evaluated 2023-11-07.

Conditions:
Nance-Horan syndrome (NHS). Identifiers: Orphanet 627, MedGen C0796085, MONDO:0010545, OMIM 302350.
Inborn genetic diseases. Identifiers: MedGen C0950123, MeSH D030342.

Allele frequency attached by ClinVar (database versions not stated): TOPMed 0.00003; gnomAD exomes 0.00004; ExAC 0.00006; gnomAD 0.00006 and 0.00008; ESP Exome Variant Server 0.00019.
gnomAD v4.1: 64 of 1,210,145 alleles (0.0053%); highest among the groups gnomAD compares: South Asian, 0.048%; no homozygotes.

Submissions (2):

Labcorp Genetics (formerly Invitae), Labcorp
Classification: Likely benign for Nance-Horan syndrome. Last evaluated: 2023-11-07. Review status: criteria provided, single submitter. Criteria: Invitae Variant Classification Sherloc (09022015). Collection method: clinical testing. Allele origin: germline.

Ambry Genetics
Classification: Uncertain significance for Inborn genetic diseases. Last evaluated: 2014-10-06. Review status: criteria provided, single submitter. Criteria: Ambry Variant Classification Scheme 2023. Collection method: clinical testing. Allele origin: germline.
Comment: The p.T949M variant (also known as c.2846C>T), located in coding exon 6 of the NHS gene, results from a C to T substitution at nucleotide position 2846. The threonine at codon 949 is replaced by methionine, an amino acid with some similar properties. This variant was previously reported in the SNPDatabase as rs373464879. Based on data from the NHLBI Exome Sequencing Project (ESP), the T allele was absent out of 2443 total male alleles studied. This amino acid position is highly conserved in available vertebrate species. In addition, this alteration is predicted to be deleterious by in silico analysis. Since supporting evidence is limited at this time, the clinical significance of this variant remains unclear.